The following is an entry in ClinVar:

NM_004329.3(BMPR1A):c.277G>A (p.Glu93Lys)

Gene: BMPR1A (bone morphogenetic protein receptor type 1A; plus strand). Cytogenetic location: 10q23.2.
Variant type: single nucleotide variant.
Coding change: c.277G>A on transcript NM_004329.3 (MANE Select); coding-DNA position 277, G replaced by A.
Protein change: p.Glu93Lys; replaces glutamic acid 93 with lysine.
Molecular consequence: missense variant. On other transcripts: non-coding transcript variant (3).
Genome position (GRCh38, 1-based): chr10:86,892,173, G>A. VCF-style: chr10-86892173-G-A. GRCh37 (hg19) VCF-style: chr10-88651930-G-A.
Other names: c.277G>A, p.Glu93Lys (NM_001406559.1, NM_001406560.1, NM_001406561.1 and 23 more transcripts); c.193G>A, p.Glu65Lys (NM_001406584.1, NM_001406585.1, NM_001406586.1 and 2 more transcripts); short protein forms E93K, E65K.
Identifiers: ClinVar variation 5032949 (VCV005032949.1).

ClinVar aggregate classification (germline): Uncertain significance (1 of 4 stars; one submission).

Conditions:
Hereditary cancer-predisposing syndrome. Also called: Neoplastic Syndromes, Hereditary; Tumor predisposition; Hereditary neoplastic syndrome; Hereditary Cancer Syndrome. Identifiers: Orphanet 140162, MedGen C0027672, MeSH D009386, MONDO:0015356.

Submission:

Ambry Genetics
Classification: Uncertain significance for Hereditary cancer-predisposing syndrome. Last evaluated: 2026-07-02. Review status: criteria provided, single submitter. Criteria: Ambry Variant Classification Scheme 2023. Collection method: clinical testing. Allele origin: germline.
Comment: The p.E93K variant (also known as c.277G>A), located in coding exon 3 of the BMPR1A gene, results from a G to A substitution at nucleotide position 277. The glutamic acid at codon 93 is replaced by lysine, an amino acid with similar properties. This amino acid position is conserved. In addition, this alteration is predicted to be deleterious by in silico analysis. Based on the available evidence, the clinical significance of this variant remains unclear.